The following is an entry in ClinVar:

ClinVar aggregate classification (germline): Uncertain significance. Review status: criteria provided, multiple submitters, no conflicts (2 of 4 stars). 2 submissions from 2 submitters: Uncertain significance (2). Last evaluated 2024-06-07.

Conditions:
Inborn genetic diseases. Identifiers: MedGen C0950123, MeSH D030342.

Submissions (2):

Ambry Genetics
Classification: Uncertain significance for Inborn genetic diseases. Last evaluated: 2024-06-07. Review status: criteria provided, single submitter. Criteria: Ambry Variant Classification Scheme 2023. Collection method: clinical testing. Allele origin: germline.
Comment: The p.G35E variant (also known as c.104G>A), located in coding exon 2 of the BUB1B gene, results from a G to A substitution at nucleotide position 104. The glycine at codon 35 is replaced by glutamic acid, an amino acid with similar properties. This amino acid position is conserved. In addition, this alteration is predicted to be deleterious by in silico analysis. Based on the available evidence, the clinical significance of this variant remains unclear.

GeneDx
Classification: Uncertain significance. Last evaluated: 2019-05-21. Review status: criteria provided, single submitter. Criteria: GeneDx Variant Classification Process June 2021. Collection method: clinical testing. Allele origin: germline. Affected: yes.
Comment: Not observed in large population cohorts (Lek et al., 2016); In silico analysis, which includes protein predictors and evolutionary conservation, supports a deleterious effect; This variant is associated with the following publications: (PMID: 25589272)

NM_001211.6(BUB1B):c.104G>A (p.Gly35Glu)

Gene: BUB1B (BUB1 mitotic checkpoint serine/threonine kinase B; plus strand). Cytogenetic location: 15q15.1.
Variant type: single nucleotide variant.
Coding change: c.104G>A on transcript NM_001211.6 (MANE Select); coding-DNA position 104, G replaced by A.
Protein change: p.Gly35Glu; replaces glycine 35 with glutamic acid.
Molecular consequence: missense variant.
Genome position (GRCh38, 1-based): chr15:40,165,121, G>A. VCF-style: chr15-40165121-G-A. GRCh37 (hg19) VCF-style: chr15-40457322-G-A.
Other names: short protein forms G35E.
Identifiers: ClinVar variation 1317216 (VCV001317216.3), dbSNP rs2140878494, ClinGen allele CA391677099.